The following is an entry in ClinVar:

NM_030930.4(UNC93B1):c.1574G>C (p.Arg525Pro)

Gene: UNC93B1 (unc-93B1 regulator of TLR signaling; minus strand). Cytogenetic location: 11q13.2.
Variant type: single nucleotide variant.
Coding change: c.1574G>C on transcript NM_030930.4 (MANE Select); coding-DNA position 1574, G replaced by C.
Protein change: p.Arg525Pro; replaces arginine 525 with proline.
Molecular consequence: missense variant.
Genome position (GRCh38, 1-based): chr11:67,991,766, C>G on the plus strand (G>C on the coding strand, the complement: UNC93B1 is on the minus strand). VCF-style: chr11-67991766-C-G. GRCh37 (hg19) VCF-style: chr11-67759237-C-G.
Other names: short protein forms R525P.
Identifiers: ClinVar variation 4277368 (VCV004277368.2), dbSNP rs1856847272.
Genomic context (GRCh38, chr11:67,991,766, plus strand): 5'-TCCTCCTCCAAGTAGCGGTAACCGCGCACCTTGTGCTGGGGCCGCGGGATGCGGGGCTGG[C>G]GCGGGGCCACGCCCCGGCGCAGCTTCTGCTCCATCCGCAGGTAGGAGACCGCGGCCGCCA-3'
Protein context (NP_112192.2, residues 515-535): EQKLRRGVAP[Arg525Pro]QPRIPRPQHK

ClinVar aggregate classification (germline): Conflicting classifications of pathogenicity. Review status: criteria provided, conflicting classifications (1 of 4 stars). 2 submissions from 2 submitters: Likely pathogenic (1); Uncertain significance (1). Last evaluated 2026-03-24.

Conditions:
Type 1 interferonopathy. Identifiers: Orphanet 477647, MedGen C5394397, MONDO:0700264, MONDO:0018782.

Submissions (2):

Harry Perkins Institute Of Medical Research, University Of Western Australia
Classification: Uncertain significance. Last evaluated: 2026-03-24. Review status: criteria provided, single submitter. Criteria: ACMG Guidelines, 2015. Collection method: research. Allele origin: germline. Inheritance: Autosomal dominant inheritance. Affected: yes. Observed: 3 variant alleles. Clinical features observed: chilblain lupus.
Comment: PP1_Strong, at least 12 informative meisoses across three families have been identified (3 from this submission, 4 from PMID: 38869500, 5 unpublished), PP5_Supporting. PMID: 38869500 demonstrated gain of TLR8 activity

Undiagnosed Diseases Network, NIH
Classification: Likely pathogenic for Type 1 interferonopathy. Last evaluated: 2025-06-23. Review status: criteria provided, single submitter. Criteria: ACMG Guidelines, 2015. Collection method: clinical testing. Allele origin: maternal. Affected: yes. Observed: 3 variant alleles. Clinical features observed: Subcutaneous nodule (HP:0001482), Hepatomegaly (HP:0002240), Panniculitis (HP:0012490), Superficial dermal perivascular inflammatory infiltrate (HP:0031190), Deep dermal perivascular inflammatory infiltrate (HP:0031191), Livedo (HP:0033832). Study: Undiagnosed Diseases Network (NIH), UDN.

Literature cited by the submitters: PubMed 38869500 (cited by Harry Perkins Institute Of Medical Research, University Of Western Australia).